The following is an entry in ClinVar:

ClinVar aggregate classification (germline): Uncertain significance (1 of 4 stars; one submission).

Conditions:
Dilated cardiomyopathy 1II (CMD1II). Identifiers: Orphanet 154, MedGen C3554649, MONDO:0014073, OMIM 615184.

Submission:

Labcorp Genetics (formerly Invitae), Labcorp
Classification: Uncertain significance for Dilated cardiomyopathy 1II. Last evaluated: 2022-06-16. Review status: criteria provided, single submitter. Criteria: Invitae Variant Classification Sherloc (09022015). Collection method: clinical testing. Allele origin: germline.
Comment: This sequence change replaces threonine, which is neutral and polar, with isoleucine, which is neutral and non-polar, at codon 132 of the CRYAB protein (p.Thr132Ile). This variant is not present in population databases (gnomAD no frequency). This variant has not been reported in the literature in individuals affected with CRYAB-related conditions. Algorithms developed to predict the effect of missense changes on protein structure and function (SIFT, PolyPhen-2, Align-GVGD) all suggest that this variant is likely to be tolerated. In summary, the available evidence is currently insufficient to determine the role of this variant in disease. Therefore, it has been classified as a Variant of Uncertain Significance.

NM_001289808.2(CRYAB):c.395C>T (p.Thr132Ile)

Gene: CRYAB (crystallin alpha B; minus strand). Cytogenetic location: 11q23.1.
Variant type: single nucleotide variant.
Coding change: c.395C>T on transcript NM_001289808.2 (MANE Select); coding-DNA position 395, C replaced by T.
Protein change: p.Thr132Ile; replaces threonine 132 with isoleucine.
Molecular consequence: missense variant.
Genome position (GRCh38, 1-based): chr11:111,908,897, G>A on the plus strand (C>T on the coding strand, the complement: CRYAB is on the minus strand). VCF-style: chr11-111908897-G-A. GRCh37 (hg19) VCF-style: chr11-111779621-G-A.
Other names: c.395C>T, p.Thr132Ile (NM_001289807.1, NM_001368245.1, NM_001885.3); c.194C>T, p.Thr65Ile (NM_001330379.1, NM_001368246.1); short protein forms T132I, T65I.
Identifiers: ClinVar variation 2147090 (VCV002147090.4), dbSNP rs2497875315, ClinGen allele CA382596325.